The following is an entry in ClinVar:

ClinVar aggregate classification (germline): Benign/Likely benign. Review status: criteria provided, multiple submitters, no conflicts (2 of 4 stars). 2 submissions from 2 submitters: Benign (1); Likely benign (1). Last evaluated 2018-07-21.

Conditions:
Periventricular heterotopia with microcephaly, autosomal recessive (ARPHM). Also called: PERIVENTRICULAR NODULAR HETEROTOPIA 2; Periventricular heterotopia with microcephaly. Identifiers: Orphanet 2149, MedGen C1842563, MONDO:0011966, OMIM 608097.

Allele frequency attached by ClinVar (database versions not stated): gnomAD 0.01186 and 0.01543; TOPMed 0.01391; 1000 Genomes Project 30x 0.04169; 1000 Genomes Project 0.04293.
gnomAD v4.1: 12,108 of 526,372 alleles (2.3%); highest among the groups gnomAD compares: South Asian, 8.3%; 376 homozygotes.

Submissions (2):

GeneDx
Classification: Likely benign. Last evaluated: 2018-07-21. Review status: criteria provided, single submitter. Criteria: GeneDx Variant Classification Process June 2021. Collection method: clinical testing. Allele origin: germline. Affected: yes.

Illumina Laboratory Services, Illumina
Classification: Benign for Periventricular heterotopia with microcephaly, autosomal recessive. Last evaluated: 2018-01-13. Review status: criteria provided, single submitter. Criteria: ICSL Variant Classification Criteria 13 December 2019. Collection method: clinical testing. Allele origin: germline.
Comment: This variant was observed in the ICSL laboratory as part of a predisposition screen in an ostensibly healthy population. It had not been previously curated by ICSL or reported in the Human Gene Mutation Database (HGMD: prior to June 1st, 2018), and was therefore a candidate for classification through an automated scoring system. Utilizing variant allele frequency, disease prevalence and penetrance estimates, and inheritance mode, an automated score was calculated to assess if this variant is too frequent to cause the disease. Based on the score and internal cut-off values, a variant classified as benign is not then subjected to further curation. The score for this variant resulted in a classification of benign for this disease.

NM_006420.3(ARFGEF2):c.*237A>G

Gene: ARFGEF2 (ARF guanine nucleotide exchange factor 2; plus strand). Cytogenetic location: 20q13.13.
Variant type: single nucleotide variant.
Coding change: c.*237A>G on transcript NM_006420.3 (MANE Select); 237 bases downstream of the stop codon, A replaced by G.
Molecular consequence: 3 prime UTR variant.
Genome position (GRCh38, 1-based): chr20:49,033,436, A>G. VCF-style: chr20-49033436-A-G. GRCh37 (hg19) VCF-style: chr20-47649973-A-G.
Identifiers: ClinVar variation 338713 (VCV000338713.8), dbSNP rs3752257, ClinGen allele CA10644055.
Genomic context (GRCh38, chr20:49,033,436, plus strand): 5'-ATTTCATTAAACTGTTGCATACCCAGTTAGCACAGTAGGTGGGGAGTCTGCTTCATTTCT[A>G]TCATTCCATTTTTCTGATTAAACTGTCAAATCTGTCATTGCATATGCCATCGTTTTCTAG-3'